The following is an entry in ClinVar:

NM_001384140.1(PCDH15):c.60_63del (p.Phe21fs)

Gene: PCDH15 (protocadherin related 15; minus strand). Cytogenetic location: 10q21.1.
Variant type: Deletion.
Coding change: c.60_63del on transcript NM_001384140.1 (MANE Select); coding-DNA positions 60 to 63, 4 bases deleted (CTTT; older notation c.60_63delCTTT).
Protein change: p.Phe21fs; shifts the reading frame from phenylalanine 21.
Molecular consequence: frameshift variant.
Genome position (GRCh38, 1-based): chr10:54,664,200-54,664,203, AAAG deleted on the plus strand (CTTT on the coding strand, the reverse complement: PCDH15 is on the minus strand); deleting any 4 consecutive bases within chr10:54,664,200-54,664,204 gives the same sequence; the c. name uses the placement nearest the transcript's 3' end. VCF-style (leftmost placement, unchanged base first): chr10-54664199-CAAAG-C. GRCh37 (hg19) VCF-style: chr10-56423959-CAAAG-C.
Other names: c.60_63del, p.Phe21fs (NM_001142763.2, NM_001142764.2, NM_001142765.2 and 13 more transcripts); c.59_62delTCTT, p.Phe21Lysfs (NM_001142769.4); short protein forms F21fs.
Identifiers: ClinVar variation 1725820 (VCV001725820.2), dbSNP rs2549545213, ClinGen allele CA2580081666.

ClinVar aggregate classification (germline): Likely pathogenic (1 of 4 stars; one submission).

Conditions:
Usher syndrome type 1D (USH1D). Also called: USHER SYNDROME, TYPE ID. Identifiers: Orphanet 231169, Orphanet 886, MedGen C1832845, MONDO:0010984, OMIM 601067.

Submission:

Myriad Genetics, Inc.
Classification: Likely pathogenic for Usher syndrome type 1D. Last evaluated: 2021-12-07. Review status: criteria provided, single submitter. Criteria: Myriad Women's Health Autosomal Recessive and X-Linked Classification Criteria (2021). Collection method: clinical testing. Allele origin: unknown.
Comment: NM_033056.3(PCDH15):c.60_63delCTTT(F21Kfs*13) is expected to be pathogenic in the context of PCDH15-related disorders. This variant is predicted to lead to an abnormal or absent protein product due to the creation of a premature termination codon in PCDH15, a gene where loss-of-function variants are known to be pathogenic. Please note: this variant was assessed in the context of healthy population screening.